The following is an entry in ClinVar:

ClinVar aggregate classification (germline): Uncertain significance. Review status: criteria provided, multiple submitters, no conflicts (2 of 4 stars). 2 submissions from 2 submitters: Uncertain significance (2). Last evaluated 2023-05-22.

Conditions:
Familial adenomatous polyposis 1 (FAP1). Also called: FAMILIAL ADENOMATOUS POLYPOSIS 1, ATTENUATED; POLYPOSIS, ADENOMATOUS INTESTINAL. Identifiers: MedGen C2713442, MONDO:0021056, OMIM 175100. Disease mechanism: loss of function.

Submissions (2):

Baylor Genetics
Classification: Uncertain significance for Familial adenomatous polyposis 1. Last evaluated: 2023-05-22. Review status: criteria provided, single submitter. Criteria: ACMG Guidelines, 2015. Collection method: clinical testing. Allele origin: unknown.

Labcorp Genetics (formerly Invitae), Labcorp
Classification: Uncertain significance for Familial adenomatous polyposis 1. Last evaluated: 2022-12-20. Review status: criteria provided, single submitter. Criteria: Invitae Variant Classification Sherloc (09022015). Collection method: clinical testing. Allele origin: germline.
Comment: This sequence change replaces tryptophan, which is neutral and slightly polar, with arginine, which is basic and polar, at codon 421 of the APC protein (p.Trp421Arg). This variant is not present in population databases (gnomAD no frequency). In summary, the available evidence is currently insufficient to determine the role of this variant in disease. Therefore, it has been classified as a Variant of Uncertain Significance. Advanced modeling of protein sequence and biophysical properties (such as structural, functional, and spatial information, amino acid conservation, physicochemical variation, residue mobility, and thermodynamic stability) performed at Invitae indicates that this missense variant is not expected to disrupt APC protein function. This variant has not been reported in the literature in individuals affected with APC-related conditions.

NM_000038.6(APC):c.1261T>C (p.Trp421Arg)

Gene: APC (APC regulator of Wnt signaling pathway; plus strand). Cytogenetic location: 5q22.2.
Variant type: single nucleotide variant.
Coding change: c.1261T>C on transcript NM_000038.6 (MANE Select); coding-DNA position 1261, T replaced by C.
Protein change: p.Trp421Arg; replaces tryptophan 421 with arginine.
Molecular consequence: missense variant. On other transcripts: non-coding transcript variant (2).
Genome position (GRCh38, 1-based): chr5:112,819,293, T>C. VCF-style: chr5-112819293-T-C. GRCh37 (hg19) VCF-style: chr5-112154990-T-C.
Other names: c.1261T>C, p.Trp421Arg (NM_001127510.3, NM_001354895.2, NM_001354896.2 and 4 more transcripts); c.1207T>C, p.Trp403Arg (NM_001127511.3); c.1291T>C, p.Trp431Arg (NM_001354897.2, NM_001407446.1); c.1186T>C, p.Trp396Arg (NM_001354898.2, NM_001407451.1); c.1177T>C, p.Trp393Arg (NM_001354899.2, NM_001407452.1); c.1084T>C, p.Trp362Arg (NM_001354900.2, NM_001354901.2, NM_001407453.1); c.988T>C, p.Trp330Arg (NM_001354902.2); c.958T>C, p.Trp320Arg (NM_001354903.2, NM_001407454.1, NM_001407455.1 and 5 more transcripts); and 5 more; short protein forms W138R, W261R, W292R, W295R, W320R, W330R, W362R, W37R.
Identifiers: ClinVar variation 2677944 (VCV002677944.4), dbSNP rs2533057157, ClinGen allele CA16024063.